The following is an entry in ClinVar:

NM_032444.4(SLX4):c.3952_3963del (p.Pro1318_Pro1321del)

Gene: SLX4 (SLX4 structure-specific endonuclease subunit; minus strand). Cytogenetic location: 16p13.3.
Variant type: Deletion.
Coding change: c.3952_3963del on transcript NM_032444.4 (MANE Select); coding-DNA positions 3952 to 3963, 12 bases deleted (CCCCAGACACCG).
Protein change: p.Pro1318_Pro1321del.
Molecular consequence: inframe deletion.
Genome position (GRCh38, 1-based): chr16:3,589,675-3,589,686, CGGTGTCTGGGG deleted on the plus strand (CCCCAGACACCG on the coding strand, the reverse complement: SLX4 is on the minus strand); deleting any 12 consecutive bases within chr16:3,589,675-3,589,691 gives the same sequence; the c. name uses the placement nearest the transcript's 3' end. VCF-style (leftmost placement, unchanged base first): chr16-3589674-ACGGTGTCTGGGG-A. GRCh37 (hg19) VCF-style: chr16-3639675-ACGGTGTCTGGGG-A.
Identifiers: ClinVar variation 1045445 (VCV001045445.6), dbSNP rs771773313, ClinGen allele CA7865776.
Genomic context (GRCh38, chr16:3,589,674, plus strand): 5'-TTCTGTGGCCTTGCCTTCTGCCGTCAGAAGTTCCTGGAGAGACGGGAGTGAGGCATGAGG[ACGGTGTCTGGGG>A]CGGTGGTGTCTGGGGCCTGATGACAGAAAACTTCTGTGCGACTTCGTTCCCTTCCCTGTT-3'

ClinVar aggregate classification (germline): Uncertain significance (1 of 4 stars; one submission).

Conditions:
Fanconi anemia (FA). Also called: Fanconi's anemia. Identifiers: Orphanet 84, MedGen C0015625, MeSH D005199, MONDO:0019391.

Submission:

Labcorp Genetics (formerly Invitae), Labcorp
Classification: Uncertain significance for Fanconi anemia. Last evaluated: 2024-11-19. Review status: criteria provided, single submitter. Criteria: Invitae Variant Classification Sherloc (09022015). Collection method: clinical testing. Allele origin: germline.
Comment: This variant, c.3952_3963del, results in the deletion of 4 amino acid(s) of the SLX4 protein (p.Pro1318_Pro1321del), but otherwise preserves the integrity of the reading frame. This variant is present in population databases (rs771773313, gnomAD 0.02%). This variant has not been reported in the literature in individuals affected with SLX4-related conditions. ClinVar contains an entry for this variant (Variation ID: 1045445). Experimental studies and prediction algorithms are not available or were not evaluated, and the functional significance of this variant is currently unknown. In summary, the available evidence is currently insufficient to determine the role of this variant in disease. Therefore, it has been classified as a Variant of Uncertain Significance.